The following is an entry in ClinVar:

ClinVar aggregate classification (germline): Pathogenic. Review status: criteria provided, multiple submitters, no conflicts (2 of 4 stars). 2 submissions from 2 submitters: Pathogenic (2). Last evaluated 2026-06-25.

Conditions:
Birt-Hogg-Dube syndrome. Also called: Birt Hogg Dubé syndrome. Identifiers: Orphanet 122, MedGen C0346010, MONDO:0800444.
Birt-Hogg-Dube syndrome 1 (BHD1). Also called: FIBROFOLLICULOMAS WITH TRICHODISCOMAS AND ACROCHORDONS. Identifiers: Orphanet 122, MedGen CN375946, MONDO:0800445, OMIM 135150.

Submissions (2):

Department of Human Genetics, Hannover Medical School
Classification: Pathogenic for Birt-Hogg-Dube syndrome 1. Last evaluated: 2026-06-25. Review status: criteria provided, single submitter. Criteria: ACMG Guidelines, 2015. Collection method: clinical testing. Allele origin: germline. Inheritance: Autosomal dominant inheritance. Affected: yes.
Comment: ACMG/ClinGen SVC: PVS1, PS4_Supporting, PM2_Supporting

Labcorp Genetics (formerly Invitae), Labcorp
Classification: Pathogenic for Birt-Hogg-Dube syndrome. Last evaluated: 2024-03-10. Review status: criteria provided, single submitter. Criteria: Invitae Variant Classification Sherloc (09022015). Collection method: clinical testing. Allele origin: germline.
Comment: This sequence change creates a premature translational stop signal (p.Trp299*) in the FLCN gene. It is expected to result in an absent or disrupted protein product. Loss-of-function variants in FLCN are known to be pathogenic (PMID: 15852235). This variant is not present in population databases (gnomAD no frequency). This variant has not been reported in the literature in individuals affected with FLCN-related conditions. For these reasons, this variant has been classified as Pathogenic.

Literature cited by the submitters: PubMed 15852235 (cited by Labcorp Genetics (formerly Invitae), Labcorp).

NM_144997.7(FLCN):c.896G>A (p.Trp299Ter)

Gene: FLCN (folliculin; minus strand). Cytogenetic location: 17p11.2.
Variant type: single nucleotide variant.
Coding change: c.896G>A on transcript NM_144997.7 (MANE Select); coding-DNA position 896, G replaced by A.
Protein change: p.Trp299Ter; replaces tryptophan 299 with a stop codon.
Molecular consequence: nonsense.
Genome position (GRCh38, 1-based): chr17:17,219,185, C>T on the plus strand (G>A on the coding strand, the complement: FLCN is on the minus strand). VCF-style: chr17-17219185-C-T. GRCh37 (hg19) VCF-style: chr17-17122499-C-T.
Other names: c.950G>A, p.Trp317Ter (NM_001353229.2); c.896G>A, p.Trp299Ter (NM_001353230.2, NM_001353231.2); short protein forms W299*, W317*.
Identifiers: ClinVar variation 2911078 (VCV002911078.4), dbSNP rs2544197060, ClinGen allele CA398533060.
Genomic context (GRCh38, chr17:17,219,185, plus strand): 5'-CCTTCTGTACTCTCTGGCAACACAGGGGCTTTCTCCTCCTCTTCAGCCTCAGAGTTGTCC[C>T]AGCTTTCTGATTCCTCTTCTAAATCTGCAAGACAGATGACAAGGACAGTTACAGATACAA-3'